The following is an entry in ClinVar:

ClinVar aggregate classification (germline): Uncertain significance (1 of 4 stars; one submission).

Conditions:
Hereditary cancer-predisposing syndrome. Also called: Hereditary Cancer Syndrome; Neoplastic Syndromes, Hereditary; Tumor predisposition; Hereditary neoplastic syndrome. Identifiers: Orphanet 140162, MedGen C0027672, MeSH D009386, MONDO:0015356.

Submission:

Ambry Genetics
Classification: Uncertain significance for Hereditary cancer-predisposing syndrome. Last evaluated: 2020-06-29. Review status: criteria provided, single submitter. Criteria: Ambry Variant Classification Scheme 2023. Collection method: clinical testing. Allele origin: germline.
Comment: The p.Y1603C variant (also known as c.4808A>G), located in coding exon 31 of the ATM gene, results from an A to G substitution at nucleotide position 4808. The tyrosine at codon 1603 is replaced by cysteine, an amino acid with highly dissimilar properties. This amino acid position is not well conserved in available vertebrate species, and cysteine is the reference amino acid in other vertebrate species. In addition, this alteration is predicted to be tolerated by in silico analysis. Since supporting evidence is limited at this time, the clinical significance of this alteration remains unclear.

NM_000051.4(ATM):c.4808A>G (p.Tyr1603Cys)

Gene: ATM (ATM serine/threonine kinase; plus strand). Cytogenetic location: 11q22.3.
Variant type: single nucleotide variant.
Coding change: c.4808A>G on transcript NM_000051.4 (MANE Select); coding-DNA position 4808, A replaced by G.
Protein change: p.Tyr1603Cys; replaces tyrosine 1603 with cysteine.
Molecular consequence: missense variant.
Genome position (GRCh38, 1-based): chr11:108,294,958, A>G. VCF-style: chr11-108294958-A-G. GRCh37 (hg19) VCF-style: chr11-108165685-A-G.
Other names: c.4808A>G, p.Tyr1603Cys (NM_001351834.2); short protein forms Y1603C.
Identifiers: ClinVar variation 1743236 (VCV001743236.2), dbSNP rs2135834551, ClinGen allele CA382536523.